The following is an entry in ClinVar:

NM_002635.4(SLC25A3):c.-5+17C>A

Gene: SLC25A3 (solute carrier family 25 member 3; plus strand). Cytogenetic location: 12q23.1.
Variant type: single nucleotide variant.
Coding change: c.-5+17C>A on transcript NM_002635.4 (MANE Select); 17 bases into the intron after 5 bases upstream of the start codon, C replaced by A.
Molecular consequence: intron variant. On other transcripts: 5 prime UTR variant (1).
Genome position (GRCh38, 1-based): chr12:98,593,757, C>A. VCF-style: chr12-98593757-C-A. GRCh37 (hg19) VCF-style: chr12-98987535-C-A.
Other names: c.-222C>A (NM_213611.3); c.-5+17C>A (NM_005888.4).
Identifiers: ClinVar variation 392112 (VCV000392112.1), dbSNP rs1057524363, ClinGen allele CA16606385.
Genomic context (GRCh38, chr12:98,593,757, plus strand): 5'-GCAACCTTTCCAAGGGAGTGGTTGTGTGATCGCCATCTTAGGGAGTGAGTGTGGCCGGGC[C>A]TTCTCCTGTGGCGGGTGTGGGGAGCGGAGCCCAGAGCTCCTGTGGGGCCGCTGCTTTGGC-3'

ClinVar aggregate classification (germline): Likely benign (1 of 4 stars; one submission).

Submission:

GeneDx
Classification: Likely benign. Last evaluated: 2016-12-30. Review status: criteria provided, single submitter. Criteria: GeneDx Variant Classification (06012015). Collection method: clinical testing. Allele origin: germline. Affected: yes.
Comment: This variant is considered likely benign or benign based on one or more of the following criteria: it is a conservative change, it occurs at a poorly conserved position in the protein, it is predicted to be benign by multiple in silico algorithms, and/or has population frequency not consistent with disease.